The following is an entry in ClinVar:

ClinVar aggregate classification (germline): Uncertain significance (1 of 4 stars; one submission).

Conditions:
Baller-Gerold syndrome (BGS). Also called: CRANIOSYNOSTOSIS WITH RADIAL DEFECTS. Identifiers: Orphanet 1225, MedGen C0265308, MONDO:0009039, OMIM 218600.

Allele frequency attached by ClinVar (database versions not stated): gnomAD exomes below 0.00001.
gnomAD v4.1: 1 of 1,582,910 alleles (0.000063%); highest among the groups gnomAD compares: Non-Finnish European, 0.000086%; no homozygotes.

Submission:

Labcorp Genetics (formerly Invitae), Labcorp
Classification: Uncertain significance for Baller-Gerold syndrome. Last evaluated: 2019-02-04. Review status: criteria provided, single submitter. Criteria: Invitae Variant Classification Sherloc (09022015). Collection method: clinical testing. Allele origin: germline.
Comment: In summary, the available evidence is currently insufficient to determine the role of this variant in disease. Therefore, it has been classified as a Variant of Uncertain Significance. Algorithms developed to predict the effect of missense changes on protein structure and function do not agree on the potential impact of this missense change (SIFT: "Deleterious"; PolyPhen-2: "Probably Damaging"; Align-GVGD: "Class C15"). This variant has not been reported in the literature in individuals with RECQL4-related disease. This variant is not present in population databases (ExAC no frequency). This sequence change replaces phenylalanine with isoleucine at codon 817 of the RECQL4 protein (p.Phe817Ile). The phenylalanine residue is highly conserved and there is a small physicochemical difference between phenylalanine and isoleucine.

NM_004260.4(RECQL4):c.2449T>A (p.Phe817Ile)

Gene: RECQL4 (RecQ like helicase 4; minus strand). Cytogenetic location: 8q24.3.
Variant type: single nucleotide variant.
Coding change: c.2449T>A on transcript NM_004260.4 (MANE Select); coding-DNA position 2449, T replaced by A.
Protein change: p.Phe817Ile; replaces phenylalanine 817 with isoleucine.
Molecular consequence: missense variant.
Genome position (GRCh38, 1-based): chr8:144,513,232, A>T on the plus strand (T>A on the coding strand, the complement: RECQL4 is on the minus strand). VCF-style: chr8-144513232-A-T. GRCh37 (hg19) VCF-style: chr8-145738615-A-T.
Other names: short protein forms F817I.
Identifiers: ClinVar variation 529014 (VCV000529014.6), dbSNP rs1364205283, ClinGen allele CA372677929.